The following is an entry in ClinVar:

ClinVar aggregate classification (germline): Likely pathogenic (1 of 4 stars; one submission).

Submission:

GeneDx
Classification: Likely pathogenic. Last evaluated: 2014-04-29. Review status: criteria provided, single submitter. Criteria: GeneDx Variant Classification (06012015). Collection method: clinical testing. Allele origin: germline. Affected: yes.
Comment: c.2641delA: p.Thr881LeufsX7 in exon 19 in the POGZ gene (NM_015100.3). The normal sequence with the base(s) that are deleted in braces is: TCCCC{A}CTAAC. The c.2641delA variant in the POGZ gene causes a frameshift starting with codon Threonine 881, changes this amino acid to a Leucine residue and creates a premature Stop codon at position 7 of the new reading frame, denoted p.T881LfsX7. This variant is predicted to cause loss of normal protein function through protein truncation. The c.2641delA variant was not observed in approximately 65000 individuals of European and African American ancestry in the NHLBI Exome Sequencing Project, indicating it is not a common benign variant in these populations. The c.2641delA variant is a good candidate for a disease-causing mutation, however the possibility it may be a rare benign variant cannot be excluded. The presence of this variant may be consistent with developmental delay. This variant has been observed de novo with confirmed parentage. This variant was found in POGZ panel(s).

NM_015100.4(POGZ):c.2641del (p.Thr881fs)

Gene: POGZ (pogo transposable element derived with ZNF domain; minus strand). Cytogenetic location: 1q21.3.
Variant type: Deletion.
Coding change: c.2641del on transcript NM_015100.4 (MANE Select); coding-DNA position 2641, one base deleted (A; older notation c.2641delA).
Protein change: p.Thr881fs; shifts the reading frame from threonine 881.
Molecular consequence: frameshift variant.
Genome position (GRCh38, 1-based): chr1:151,406,394, T deleted on the plus strand (A on the coding strand, the reverse complement: POGZ is on the minus strand). VCF-style (leftmost placement, unchanged base first): chr1-151406393-GT-G. GRCh37 (hg19) VCF-style: chr1-151378869-GT-G.
Other names: c.2614del, p.Thr872fs (NM_001194937.2); c.2455del, p.Thr819fs (NM_001194938.2); c.2356del, p.Thr786fs (NM_145796.4); c.2482del, p.Thr828fs (NM_207171.2); short protein forms T819fs, T872fs, T786fs, T828fs, T881fs.
Identifiers: ClinVar variation 207796 (VCV000207796.1), dbSNP rs796052215, ClinGen allele CA319615.
Genomic context (GRCh38, chr1:151,406,393, plus strand): 5'-AGTAGCTCTTCAGGCTCAGCTGGGGTGGCCCCCGCAGATTTCACAGTGGCAGCTTTGTTA[GT>G]GGGGAAGGAAGGAGGAGGGTACATATTCTTCACGTTCCGGTCATGCACTCGGTCACGAGT-3'